The following is an entry in ClinVar:

ClinVar aggregate classification (germline): Pathogenic. Review status: criteria provided, multiple submitters, no conflicts (2 of 4 stars). 2 submissions from 2 submitters: Pathogenic (2). Last evaluated 2026-01-14.

Conditions:
Cardiomyopathy (CMYO). Also called: Cardiomyopathies. Identifiers: Orphanet 167848, MedGen C0878544, MONDO:0004994, HP:0001638. Inheritance: Various modes of inheritance.
Hypertrophic cardiomyopathy 4. Also called: Familial hypertrophic cardiomyopathy 4. Identifiers: MedGen C1861862, MONDO:0007268, OMIM 115197.

gnomAD v4.1: 3 of 1,613,500 alleles (0.00019%); highest among the groups gnomAD compares: South Asian, 0.0033%; no homozygotes.

Submissions (2):

3billion
Classification: Pathogenic for Hypertrophic cardiomyopathy 4. Last evaluated: 2026-01-14. Review status: criteria provided, single submitter. Criteria: ACMG Guidelines, 2015. Collection method: clinical testing. Allele origin: germline. Affected: yes.
Comment: The variant is observed at an extremely low frequency in the gnomAD v4.1.0 dataset (total allele frequency: <0.001%). Predicted Consequence/Location: Stop-gained (nonsense): predicted to result in a loss or disruption of normal protein function through nonsense-mediated decay (NMD) or protein truncation. Multiple pathogenic variants are reported downstream of the variant. The variant has been reported to be associated with MYBPC3-related disorder (ClinVar ID: VCV000626783). Therefore, this variant is classified as Pathogenic according to the recommendation of ACMG/AMP guideline.

CHEO Genetics Diagnostic Laboratory, Children's Hospital of Eastern Ontario
Classification: Pathogenic for Cardiomyopathy. Last evaluated: 2017-05-15. Review status: criteria provided, single submitter. Criteria: ACMG Guidelines, 2015. Collection method: clinical testing. Allele origin: germline. Study: Canadian Open Genetics Repository.

NM_000256.3(MYBPC3):c.711C>G (p.Tyr237Ter)

Gene: MYBPC3 (myosin binding protein C3; minus strand). Cytogenetic location: 11p11.2.
Variant type: single nucleotide variant.
Coding change: c.711C>G on transcript NM_000256.3 (MANE Select); coding-DNA position 711, C replaced by G.
Protein change: p.Tyr237Ter; replaces tyrosine 237 with a stop codon.
Molecular consequence: nonsense.
Genome position (GRCh38, 1-based): chr11:47,348,485, G>C on the plus strand (C>G on the coding strand, the complement: MYBPC3 is on the minus strand). VCF-style: chr11-47348485-G-C. GRCh37 (hg19) VCF-style: chr11-47370036-G-C.
Other names: c.711C>G, p.Tyr237Ter (LRG_386t1); short protein forms Y237*.
Identifiers: ClinVar variation 626783 (VCV000626783.3), dbSNP rs774316050, ClinGen allele CA380335916.